The following is an entry in ClinVar:

ClinVar aggregate classification (germline): Pathogenic (1 of 4 stars; one submission).

Allele frequency attached by ClinVar (database versions not stated): gnomAD exomes below 0.00001.
gnomAD v4.1: 2 of 1,571,026 alleles (0.00013%); highest among the groups gnomAD compares: African/African-American, 0.0013%; no homozygotes.

Submission:

Labcorp Genetics (formerly Invitae), Labcorp
Classification: Pathogenic. Last evaluated: 2024-08-08. Review status: criteria provided, single submitter. Criteria: Invitae Variant Classification Sherloc (09022015). Collection method: clinical testing. Allele origin: germline.
Comment: This sequence change creates a premature translational stop signal (p.Gln3658*) in the ADGRV1 gene. It is expected to result in an absent or disrupted protein product. Loss-of-function variants in ADGRV1 are known to be pathogenic (PMID: 19357117, 22135276, 22147658, 26226137, 30718709, 31047384, 32467589). This variant is not present in population databases (gnomAD no frequency). This variant has not been reported in the literature in individuals affected with ADGRV1-related conditions. ClinVar contains an entry for this variant (Variation ID: 1455803). Algorithms developed to predict the effect of sequence changes on RNA splicing suggest that this variant may disrupt the consensus splice site. For these reasons, this variant has been classified as Pathogenic.

Literature cited by the submitters: PubMed 19357117; PubMed 22135276; PubMed 22147658; PubMed 26226137; PubMed 30718709; PubMed 31047384; PubMed 32467589.

NM_032119.4(ADGRV1):c.10972C>T (p.Gln3658Ter)

Gene: ADGRV1 (adhesion G protein-coupled receptor V1; plus strand). Cytogenetic location: 5q14.3.
Variant type: single nucleotide variant.
Coding change: c.10972C>T on transcript NM_032119.4 (MANE Select); coding-DNA position 10972, C replaced by T.
Protein change: p.Gln3658Ter; replaces glutamine 3658 with a stop codon.
Molecular consequence: nonsense. On other transcripts: non-coding transcript variant (1).
Genome position (GRCh38, 1-based): chr5:90,745,793, C>T. VCF-style: chr5-90745793-C-T. GRCh37 (hg19) VCF-style: chr5-90041610-C-T.
Other names: short protein forms Q3658*.
Identifiers: ClinVar variation 1455803 (VCV001455803.6), dbSNP rs1754559510, ClinGen allele CA360409785.